The following is an entry in ClinVar:

NM_001458.5(FLNC):c.1484C>T (p.Ala495Val)

Gene: FLNC (filamin C; plus strand). Cytogenetic location: 7q32.1.
Variant type: single nucleotide variant.
Coding change: c.1484C>T on transcript NM_001458.5 (MANE Select); coding-DNA position 1484, C replaced by T.
Protein change: p.Ala495Val; replaces alanine 495 with valine.
Molecular consequence: missense variant.
Genome position (GRCh38, 1-based): chr7:128,840,095, C>T. VCF-style: chr7-128840095-C-T. GRCh37 (hg19) VCF-style: chr7-128480149-C-T.
Other names: c.1484C>T, p.Ala495Val (NM_001127487.2); short protein forms A495V.
Identifiers: ClinVar variation 2934570 (VCV002934570.3), dbSNP rs2536624801, ClinGen allele CA369225683.

ClinVar aggregate classification (germline): Uncertain significance (1 of 4 stars; one submission).

Conditions:
Myofibrillar myopathy 5. Also called: Filaminopathy (type); FILAMINOPATHY, AUTOSOMAL DOMINANT. Identifiers: Orphanet 171445, MedGen C1836050, MONDO:0012289, OMIM 609524.
Distal myopathy with posterior leg and anterior hand involvement. Also called: WILLIAMS DISTAL MYOPATHY. Identifiers: Orphanet 63273, MedGen C3279722, MONDO:0013550, OMIM 614065.
Hypertrophic cardiomyopathy 26. Also called: Cardiomyopathy, familial hypertrophic, 26. Identifiers: Orphanet 75249, MedGen C4310749, MONDO:0014883, OMIM 617047.

Submission:

Labcorp Genetics (formerly Invitae), Labcorp
Classification: Uncertain significance for Distal myopathy with posterior leg and anterior hand involvement; Myofibrillar myopathy 5; Hypertrophic cardiomyopathy 26. Last evaluated: 2024-01-17. Review status: criteria provided, single submitter. Criteria: Invitae Variant Classification Sherloc (09022015). Collection method: clinical testing. Allele origin: germline.
Comment: This sequence change replaces alanine, which is neutral and non-polar, with valine, which is neutral and non-polar, at codon 495 of the FLNC protein (p.Ala495Val). This variant is not present in population databases (gnomAD no frequency). This variant has not been reported in the literature in individuals affected with FLNC-related conditions. Advanced modeling of protein sequence and biophysical properties (such as structural, functional, and spatial information, amino acid conservation, physicochemical variation, residue mobility, and thermodynamic stability) has been performed at Invitae for this missense variant, however the output from this modeling did not meet the statistical confidence thresholds required to predict the impact of this variant on FLNC protein function. In summary, the available evidence is currently insufficient to determine the role of this variant in disease. Therefore, it has been classified as a Variant of Uncertain Significance.